The following is an entry in ClinVar:

NM_006445.4(PRPF8):c.657T>C (p.Tyr219=)

Gene: PRPF8 (pre-mRNA processing factor 8; minus strand). Cytogenetic location: 17p13.3.
Variant type: single nucleotide variant.
Coding change: c.657T>C on transcript NM_006445.4 (MANE Select); coding-DNA position 657, T replaced by C.
Protein change: p.Tyr219=; no amino-acid change (tyrosine 219 retained).
Molecular consequence: synonymous variant.
Genome position (GRCh38, 1-based): chr17:1,681,687, A>G on the plus strand (T>C on the coding strand, the complement: PRPF8 is on the minus strand). VCF-style: chr17-1681687-A-G. GRCh37 (hg19) VCF-style: chr17-1584981-A-G.
Other names: c.657T>C (NM_006445.3).
Identifiers: ClinVar variation 2990705 (VCV002990705.4), dbSNP rs1446441148, ClinGen allele CA497289906.

ClinVar aggregate classification (germline): Likely benign. Review status: criteria provided, multiple submitters, no conflicts (2 of 4 stars). 2 submissions from 2 submitters: Likely benign (2). Last evaluated 2025-12-30.

Conditions:
PRPF8-related disorder. Also called: PRPF8-related condition.

Allele frequency attached by ClinVar (database versions not stated): gnomAD exomes below 0.00001; gnomAD 0.00001.
gnomAD v4.1: 5 of 1,614,080 alleles (0.00031%); highest among the groups gnomAD compares: East Asian, 0.0045%; no homozygotes.

Submissions (2):

PreventionGenetics, part of Exact Sciences
Classification: Likely benign for PRPF8-related condition. Last evaluated: 2025-12-30. Review status: criteria provided, single submitter. Criteria: ACMG Guidelines, 2015. Collection method: clinical testing. Allele origin: germline.
Comment: This variant is classified as likely benign based on ACMG/AMP sequence variant interpretation guidelines (Richards et al. 2015 PMID: 25741868, with internal and published modifications).

Labcorp Genetics (formerly Invitae), Labcorp
Classification: Likely benign. Last evaluated: 2022-10-10. Review status: criteria provided, single submitter. Criteria: Invitae Variant Classification Sherloc (09022015). Collection method: clinical testing. Allele origin: germline.